The following is an entry in ClinVar:

NM_001261826.3(AP3D1):c.2002-7C>A

Gene: AP3D1 (adaptor related protein complex 3 subunit delta 1; minus strand). Cytogenetic location: 19p13.3.
Variant type: single nucleotide variant.
Coding change: c.2002-7C>A on transcript NM_001261826.3 (MANE Select); 7 bases into the intron before coding-DNA position 2002, C replaced by A.
Molecular consequence: intron variant.
Genome position (GRCh38, 1-based): chr19:2,116,285, G>T on the plus strand (C>A on the coding strand, the complement: AP3D1 is on the minus strand). VCF-style: chr19-2116285-G-T. GRCh37 (hg19) VCF-style: chr19-2116284-G-T.
Other names: c.2002-7C>A (NM_003938.8, NM_001374799.1).
Identifiers: ClinVar variation 2789258 (VCV002789258.3), dbSNP rs962732966, ClinGen allele CA2583826547.

ClinVar aggregate classification (germline): Uncertain significance (1 of 4 stars; one submission).

Submission:

Labcorp Genetics (formerly Invitae), Labcorp
Classification: Uncertain significance. Last evaluated: 2023-04-18. Review status: criteria provided, single submitter. Criteria: Invitae Variant Classification Sherloc (09022015). Collection method: clinical testing. Allele origin: germline.
Comment: This sequence change falls in intron 17 of the AP3D1 gene. It does not directly change the encoded amino acid sequence of the AP3D1 protein. In summary, the available evidence is currently insufficient to determine the role of this variant in disease. Therefore, it has been classified as a Variant of Uncertain Significance. Algorithms developed to predict the effect of sequence changes on RNA splicing suggest that this variant may create or strengthen a splice site. This variant has not been reported in the literature in individuals affected with AP3D1-related conditions. This variant is not present in population databases (gnomAD no frequency).